The following is an entry in ClinVar:

NM_021072.4(HCN1):c.416G>A (p.Ser139Asn)

Gene: HCN1 (hyperpolarization activated cyclic nucleotide gated potassium channel 1; minus strand). Cytogenetic location: 5p12.
Variant type: single nucleotide variant.
Coding change: c.416G>A on transcript NM_021072.4 (MANE Select); coding-DNA position 416, G replaced by A.
Protein change: p.Ser139Asn; replaces serine 139 with asparagine.
Molecular consequence: missense variant.
Genome position (GRCh38, 1-based): chr5:45,695,678, C>T on the plus strand (G>A on the coding strand, the complement: HCN1 is on the minus strand). VCF-style: chr5-45695678-C-T. GRCh37 (hg19) VCF-style: chr5-45695780-C-T.
Other names: short protein forms S139N.
Identifiers: ClinVar variation 1738411 (VCV001738411.2), dbSNP rs2478643493, ClinGen allele CA359706054.

ClinVar aggregate classification (germline): Uncertain significance (1 of 4 stars; one submission).

Conditions:
Inborn genetic diseases. Identifiers: MedGen C0950123, MeSH D030342.

Submission:

Ambry Genetics
Classification: Uncertain significance for Inborn genetic diseases. Last evaluated: 2017-06-12. Review status: criteria provided, single submitter. Criteria: Ambry Variant Classification Scheme 2023. Collection method: clinical testing. Allele origin: germline.
Comment: The p.S139N variant (also known as c.416G>A), located in coding exon 1 of the HCN1 gene, results from a G to A substitution at nucleotide position 416. The serine at codon 139 is replaced by asparagine, an amino acid with highly similar properties. This amino acid position is highly conserved in available vertebrate species. In addition, the in silico prediction for this alteration is inconclusive. Since supporting evidence is limited at this time, the clinical significance of this alteration remains unclear.